The following is an entry in ClinVar:

NM_005413.4(SIX3):c.18C>G (p.Pro6=)

Gene: SIX3 (SIX homeobox 3; plus strand). Cytogenetic location: 2p21.
Variant type: single nucleotide variant.
Coding change: c.18C>G on transcript NM_005413.4 (MANE Select); coding-DNA position 18, C replaced by G.
Protein change: p.Pro6=; no amino-acid change (proline 6 retained).
Molecular consequence: synonymous variant.
Genome position (GRCh38, 1-based): chr2:44,942,122, C>G. VCF-style: chr2-44942122-C-G. GRCh37 (hg19) VCF-style: chr2-45169261-C-G.
Identifiers: ClinVar variation 4823448 (VCV004823448.4).

ClinVar aggregate classification (germline): Likely benign (1 of 4 stars; one submission).

gnomAD v4.1: 29 of 1,596,026 alleles (0.0018%); highest among the groups gnomAD compares: East Asian, 0.0045%; no homozygotes.

Submission:

CeGaT Center for Human Genetics Tuebingen
Classification: Likely benign. Last evaluated: 2026-02-01. Review status: criteria provided, single submitter. Criteria: CeGaT Center For Human Genetics Tuebingen Variant Classification Criteria Version 2. Collection method: clinical testing. Allele origin: germline. Affected: yes. Observed: 1 variant allele.
Comment: SIX3: BP4, BP7